The following is an entry in ClinVar:

ClinVar aggregate classification (germline): Uncertain significance. Review status: criteria provided, multiple submitters, no conflicts (2 of 4 stars). 3 submissions from 3 submitters: Uncertain significance (3). Last evaluated 2023-04-26.

Conditions:
Cardiovascular phenotype. Identifiers: MedGen CN230736.

Allele frequency attached by ClinVar (database versions not stated): gnomAD 0.00001; gnomAD exomes 0.00001; TOPMed 0.00002.
gnomAD v4.1: 5 of 1,612,630 alleles (0.00031%); highest among the groups gnomAD compares: East Asian, 0.011%; no homozygotes.

Submissions (3):

Revvity Omics, Revvity
Classification: Uncertain significance. Last evaluated: 2023-04-26. Review status: criteria provided, single submitter. Criteria: ACMG Guidelines, 2015. Collection method: clinical testing. Allele origin: germline.

Blueprint Genetics
Classification: Uncertain significance. Last evaluated: 2021-03-29. Review status: criteria provided, single submitter. Criteria: ACMG Guidelines, 2015. Collection method: clinical testing. Allele origin: germline.

Ambry Genetics
Classification: Uncertain significance for Cardiovascular phenotype. Last evaluated: 2018-09-22. Review status: criteria provided, single submitter. Criteria: Ambry Variant Classification Scheme 2023. Collection method: clinical testing. Allele origin: germline.
Comment: The p.V21234L variant (also known as c.63700G>T), located in coding exon 162 of the TTN gene, results from a G to T substitution at nucleotide position 63700. The valine at codon 21234 is replaced by leucine, an amino acid with highly similar properties. This amino acid position is highly conserved in available vertebrate species. In addition, the in silico prediction for this alteration is inconclusive. Since supporting evidence is limited at this time, the clinical significance of this alteration remains unclear.

NM_001267550.2(TTN):c.90895G>T (p.Val30299Leu)

Genes: TTN (titin; minus strand), TTN-AS1 (TTN antisense RNA 1; plus strand). Cytogenetic location: 2q31.2.
Variant type: single nucleotide variant.
Coding change: c.90895G>T on transcript NM_001267550.2 (MANE Select); coding-DNA position 90895, G replaced by T.
Protein change: p.Val30299Leu; replaces valine 30299 with leucine.
Molecular consequence: missense variant.
Genome position (GRCh38, 1-based): chr2:178,552,005, C>A on the plus strand (G>T on the coding strand, the complement: TTN is on the minus strand). VCF-style: chr2-178552005-C-A. GRCh37 (hg19) VCF-style: chr2-179416732-C-A.
Other names: c.85972G>T, p.Val28658Leu (NM_001256850.1); c.63700G>T, p.Val21234Leu (NM_003319.4); c.83191G>T, p.Val27731Leu (NM_133378.4); c.64075G>T, p.Val21359Leu (NM_133432.3); c.64276G>T, p.Val21426Leu (NM_133437.4); short protein forms V21359L, V28658L, V30299L, V21426L, V27731L, V21234L.
Identifiers: ClinVar variation 1753119 (VCV001753119.5), dbSNP rs774161568, ClinGen allele CA1987727.